The following is an entry in ClinVar:

ClinVar aggregate classification (germline): Benign (0 of 4 stars; one submission).

Conditions:
TLL1-related disorder. Also called: TLL1-related condition.

Allele frequency attached by ClinVar (database versions not stated): gnomAD exomes 0.03441; ExAC 0.03967; 1000 Genomes Project 0.05711; 1000 Genomes Project 30x 0.06027; gnomAD 0.06052; TOPMed 0.06603; ESP Exome Variant Server 0.06943.
gnomAD v4.1: 59,766 of 1,613,596 alleles (3.7%); highest among the groups gnomAD compares: African/African-American, 13%; 1,672 homozygotes.

Submission:

PreventionGenetics, part of Exact Sciences
Classification: Benign for TLL1-related condition. Last evaluated: 2019-07-15. Review status: no assertion criteria provided. Collection method: clinical testing. Allele origin: germline.
Comment: This variant is classified as benign based on ACMG/AMP sequence variant interpretation guidelines (Richards et al. 2015 PMID: 25741868, with internal and published modifications).

NM_012464.5(TLL1):c.2424T>C (p.Pro808=)

Gene: TLL1 (tolloid like 1; plus strand). Cytogenetic location: 4q32.3.
Variant type: single nucleotide variant.
Coding change: c.2424T>C on transcript NM_012464.5 (MANE Select); coding-DNA position 2424, T replaced by C.
Protein change: p.Pro808=; no amino-acid change (proline 808 retained).
Molecular consequence: synonymous variant.
Genome position (GRCh38, 1-based): chr4:166,078,012, T>C. VCF-style: chr4-166078012-T-C. GRCh37 (hg19) VCF-style: chr4-166999164-T-C.
Identifiers: ClinVar variation 3055774 (VCV003055774.2), dbSNP rs17047232, ClinGen allele CA3131203.